The following is an entry in ClinVar:

ClinVar aggregate classification (germline): Benign (1 of 4 stars; one submission).

Allele frequency attached by ClinVar (database versions not stated): TOPMed 0.79230; gnomAD 0.79405 and 0.79983; 1000 Genomes Project 30x 0.81746.
gnomAD v4.1: 121,566 of 152,004 alleles (80%); highest among the groups gnomAD compares: East Asian, 98%; 48,936 homozygotes.

Submission:

GeneDx
Classification: Benign. Last evaluated: 2018-06-14. Review status: criteria provided, single submitter. Criteria: GeneDx Variant Classification (06012015). Collection method: clinical testing. Allele origin: germline. Affected: yes.
Comment: This variant is considered likely benign or benign based on one or more of the following criteria: it is a conservative change, it occurs at a poorly conserved position in the protein, it is predicted to be benign by multiple in silico algorithms, and/or has population frequency not consistent with disease.

NM_001999.4(FBN2):c.5201-196A>T

Gene: FBN2 (fibrillin 2; minus strand). Cytogenetic location: 5q23.3.
Variant type: single nucleotide variant.
Coding change: c.5201-196A>T on transcript NM_001999.4 (MANE Select); 196 bases into the intron before coding-DNA position 5201, A replaced by T.
Molecular consequence: intron variant.
Genome position (GRCh38, 1-based): chr5:128,309,595, T>A on the plus strand (A>T on the coding strand, the complement: FBN2 is on the minus strand). VCF-style: chr5-128309595-T-A. GRCh37 (hg19) VCF-style: chr5-127645287-T-A.
Identifiers: ClinVar variation 672322 (VCV000672322.1), dbSNP rs469294, ClinGen allele CA16241708.
Genomic context (GRCh38, chr5:128,309,595, plus strand): 5'-AAAATAACTCCTTAAACATAAATCATTTTTAGATTAACATCTCTCCTTTATCCTTAAAGG[T>A]TTTCACTTATAATTTTCTTGGGAGACAATGTTAATACATATTTGTTTTTCTCTCAAAATC-3'